The following is an entry in ClinVar:

NM_000540.3(RYR1):c.7926+28A>G

Gene: RYR1 (ryanodine receptor 1; plus strand). Cytogenetic location: 19q13.2.
Variant type: single nucleotide variant.
Coding change: c.7926+28A>G on transcript NM_000540.3 (MANE Select); 28 bases into the intron after coding-DNA position 7926, A replaced by G.
Molecular consequence: intron variant.
Genome position (GRCh38, 1-based): chr19:38,502,998, A>G. VCF-style: chr19-38502998-A-G. GRCh37 (hg19) VCF-style: chr19-38993638-A-G.
Other names: c.7926+28A>G (NM_001042723.2).
Identifiers: ClinVar variation 133216 (VCV000133216.6), dbSNP rs1469699, ClinGen allele CA024876.

ClinVar aggregate classification (germline): Benign. Review status: criteria provided, multiple submitters, no conflicts (2 of 4 stars). 7 submissions from 5 submitters: Benign (6). 1 of the submissions does not count toward it. Last evaluated 2021-11-07.

Conditions:
Congenital multicore myopathy with external ophthalmoplegia (CMYO1B). Also called: Minicore myopathy with external ophthalmoplegia; MULTIMINICORE DISEASE WITH EXTERNAL OPHTHALMOPLEGIA; Congenital myopathy 1B, autosomal recessive; Minicore myopathy; MULTICORE MYOPATHY. Identifiers: Orphanet 598, Orphanet 98905, MedGen C1850674, MONDO:0009712, OMIM 255320, HP:0003789.
King Denborough syndrome (KDS). Identifiers: MedGen C1840365, MONDO:0020485, OMIM 619542.
Central core myopathy (CMYO1A). Also called: CONGENITAL MYOPATHY 1A, AUTOSOMAL DOMINANT, WITH SUSCEPTIBILITY TO MALIGNANT HYPERTHERMIA; Central core disease; Myopathy, central fibrillar. Identifiers: Orphanet 597, MedGen C5830701, MONDO:0007294, OMIM 117000.

Allele frequency attached by ClinVar (database versions not stated): ESP Exome Variant Server 0.33108; gnomAD exomes 0.33748; ExAC 0.33899; gnomAD 0.34603 and 0.34958; TOPMed 0.35792; 1000 Genomes Project 30x 0.42723; 1000 Genomes Project 0.42891.
gnomAD v4.1: 467,781 of 1,598,578 alleles (29%); highest among the groups gnomAD compares: African/African-American, 48%; 72,920 homozygotes.

Submissions (7):

Genome-Nilou Lab
Classification: Benign for Central core myopathy. Last evaluated: 2021-11-07. Review status: criteria provided, single submitter. Criteria: ACMG Guidelines, 2015. Collection method: clinical testing. Allele origin: germline. Affected: no.

Genome-Nilou Lab
Classification: Benign for King Denborough syndrome. Last evaluated: 2021-11-07. Review status: criteria provided, single submitter. Criteria: ACMG Guidelines, 2015. Collection method: clinical testing. Allele origin: germline. Affected: no.

Genome-Nilou Lab
Classification: Benign for Congenital multicore myopathy with external ophthalmoplegia. Last evaluated: 2021-11-07. Review status: criteria provided, single submitter. Criteria: ACMG Guidelines, 2015. Collection method: clinical testing. Allele origin: germline. Affected: no.

GeneDx
Classification: Benign. Last evaluated: 2018-06-14. Review status: criteria provided, single submitter. Criteria: GeneDx Variant Classification (06012015). Collection method: clinical testing. Allele origin: germline. Affected: yes.
Comment: This variant is considered likely benign or benign based on one or more of the following criteria: it is a conservative change, it occurs at a poorly conserved position in the protein, it is predicted to be benign by multiple in silico algorithms, and/or has population frequency not consistent with disease.

PreventionGenetics, part of Exact Sciences
Classification: Benign. Last evaluated: 2013-10-25. Review status: criteria provided, single submitter. Criteria: ACMG Guidelines, 2015. Collection method: clinical testing. Allele origin: germline.

Breakthrough Genomics
Classification: Benign. Review status: criteria provided, single submitter. Criteria: ACMG Guidelines, 2015. Collection method: not provided. Allele origin: germline. Inheritance: Autosomal recessive inheritance. Affected: yes.

RYR1 database
No classification provided. Review status: no classification provided. Collection method: not provided. Allele origin: unknown. Not counted in ClinVar's aggregate classification.